The following is an entry in ClinVar:

ClinVar aggregate classification (germline): Uncertain significance (1 of 4 stars; one submission).

Allele frequency attached by ClinVar (database versions not stated): TOPMed 0.00001.

Submission:

Labcorp Genetics (formerly Invitae), Labcorp
Classification: Uncertain significance. Last evaluated: 2023-02-01. Review status: criteria provided, single submitter. Criteria: Invitae Variant Classification Sherloc (09022015). Collection method: clinical testing. Allele origin: germline.
Comment: This variant has not been reported in the literature in individuals affected with GRIN2D-related conditions. In summary, the available evidence is currently insufficient to determine the role of this variant in disease. Therefore, it has been classified as a Variant of Uncertain Significance. Advanced modeling of protein sequence and biophysical properties (such as structural, functional, and spatial information, amino acid conservation, physicochemical variation, residue mobility, and thermodynamic stability) performed at Invitae indicates that this missense variant is not expected to disrupt GRIN2D protein function. This variant is not present in population databases (gnomAD no frequency). This sequence change replaces proline, which is neutral and non-polar, with serine, which is neutral and polar, at codon 916 of the GRIN2D protein (p.Pro916Ser).

NM_000836.4(GRIN2D):c.2746C>T (p.Pro916Ser)

Gene: GRIN2D (glutamate ionotropic receptor NMDA type subunit 2D; plus strand). Cytogenetic location: 19q13.33.
Variant type: single nucleotide variant.
Coding change: c.2746C>T on transcript NM_000836.4 (MANE Select); coding-DNA position 2746, C replaced by T.
Protein change: p.Pro916Ser; replaces proline 916 with serine.
Molecular consequence: missense variant.
Genome position (GRCh38, 1-based): chr19:48,442,672, C>T. VCF-style: chr19-48442672-C-T. GRCh37 (hg19) VCF-style: chr19-48945929-C-T.
Other names: short protein forms P916S.
Identifiers: ClinVar variation 2175612 (VCV002175612.4), dbSNP rs937664613, ClinGen allele CA309298846.